The following is an entry in ClinVar:

ClinVar aggregate classification (germline): Uncertain significance (1 of 4 stars; one submission).

Conditions:
Autosomal recessive limb-girdle muscular dystrophy type 2E (LGMDR4). Also called: MUSCULAR DYSTROPHY, LIMB-GIRDLE, AUTOSOMAL RECESSIVE 4. Identifiers: Orphanet 119, MedGen C1858593, MONDO:0011423, OMIM 604286. Disease mechanism: Affects gamma-sarcoglycan and also disrupts the integrity of the entire sarcoglycan complex..

Allele frequency attached by ClinVar (database versions not stated): gnomAD exomes below 0.00001.
gnomAD v4.1: 2 of 1,613,886 alleles (0.00012%); highest among the groups gnomAD compares: Non-Finnish European, 0.00017%; no homozygotes.

Submission:

Labcorp Genetics (formerly Invitae), Labcorp
Classification: Uncertain significance for Autosomal recessive limb-girdle muscular dystrophy type 2E. Last evaluated: 2021-09-01. Review status: criteria provided, single submitter. Criteria: Invitae Variant Classification Sherloc (09022015). Collection method: clinical testing. Allele origin: germline.
Comment: This sequence change replaces histidine with proline at codon 242 of the SGCB protein (p.His242Pro). The histidine residue is moderately conserved and there is a moderate physicochemical difference between histidine and proline. This variant is not present in population databases (ExAC no frequency). This variant has not been reported in the literature in individuals affected with SGCB-related conditions. Algorithms developed to predict the effect of missense changes on protein structure and function (SIFT, PolyPhen-2, Align-GVGD) all suggest that this variant is likely to be tolerated. In summary, the available evidence is currently insufficient to determine the role of this variant in disease. Therefore, it has been classified as a Variant of Uncertain Significance.

NM_000232.5(SGCB):c.725A>C (p.His242Pro)

Gene: SGCB (sarcoglycan beta; minus strand). Cytogenetic location: 4q12.
Variant type: single nucleotide variant.
Coding change: c.725A>C on transcript NM_000232.5 (MANE Select); coding-DNA position 725, A replaced by C.
Protein change: p.His242Pro; replaces histidine 242 with proline.
Molecular consequence: missense variant.
Genome position (GRCh38, 1-based): chr4:52,027,996, T>G on the plus strand (A>C on the coding strand, the complement: SGCB is on the minus strand). VCF-style: chr4-52027996-T-G. GRCh37 (hg19) VCF-style: chr4-52894162-T-G.
Other names: short protein forms H242P.
Identifiers: ClinVar variation 466606 (VCV000466606.2), dbSNP rs1553940064, ClinGen allele CA356875797.